The following is an entry in ClinVar:

NM_001291746.2(REL):c.1219A>G (p.Asn407Asp)

Gene: REL (REL proto-oncogene, NF-kB subunit; plus strand). Cytogenetic location: 2p16.1.
Variant type: single nucleotide variant.
Coding change: c.1219A>G on transcript NM_001291746.2 (MANE Select); coding-DNA position 1219, A replaced by G.
Protein change: p.Asn407Asp; replaces asparagine 407 with aspartic acid.
Molecular consequence: missense variant.
Genome position (GRCh38, 1-based): chr2:60,921,990, A>G. VCF-style: chr2-60921990-A-G. GRCh37 (hg19) VCF-style: chr2-61149125-A-G.
Other names: c.1315A>G, p.Asn439Asp (NM_002908.4); short protein forms N407D, N439D.
Identifiers: ClinVar variation 2103041 (VCV002103041.4), dbSNP rs781499416, ClinGen allele CA1672451.

ClinVar aggregate classification (germline): Uncertain significance (1 of 4 stars; one submission).

Allele frequency attached by ClinVar (database versions not stated): ExAC 0.00001.
gnomAD v4.1: 1 of 1,614,176 alleles (0.000062%); no homozygotes.

Submission:

Labcorp Genetics (formerly Invitae), Labcorp
Classification: Uncertain significance. Last evaluated: 2022-02-24. Review status: criteria provided, single submitter. Criteria: Invitae Variant Classification Sherloc (09022015). Collection method: clinical testing. Allele origin: germline.
Comment: This variant is present in population databases (rs781499416, gnomAD 0.0009%). This variant has not been reported in the literature in individuals affected with REL-related conditions. Algorithms developed to predict the effect of missense changes on protein structure and function are either unavailable or do not agree on the potential impact of this missense change (SIFT: "Tolerated"; PolyPhen-2: "Possibly Damaging"; Align-GVGD: "Class C0"). This sequence change replaces asparagine, which is neutral and polar, with aspartic acid, which is acidic and polar, at codon 439 of the REL protein (p.Asn439Asp). In summary, the available evidence is currently insufficient to determine the role of this variant in disease. Therefore, it has been classified as a Variant of Uncertain Significance.